The following is an entry in ClinVar:

NM_001111.5(ADAR):c.3101T>C (p.Met1034Thr)

Gene: ADAR (adenosine deaminase RNA specific; minus strand). Cytogenetic location: 1q21.3.
Variant type: single nucleotide variant.
Coding change: c.3101T>C on transcript NM_001111.5 (MANE Select); coding-DNA position 3101, T replaced by C.
Protein change: p.Met1034Thr; replaces methionine 1034 with threonine.
Molecular consequence: missense variant.
Genome position (GRCh38, 1-based): chr1:154,586,282, A>G on the plus strand (T>C on the coding strand, the complement: ADAR is on the minus strand). VCF-style: chr1-154586282-A-G. GRCh37 (hg19) VCF-style: chr1-154558758-A-G.
Other names: c.2216T>C, p.Met739Thr (NM_001025107.3, NM_001193495.2, NM_001365046.1 and 2 more transcripts); c.3128T>C, p.Met1043Thr (NM_001365045.1); c.2138T>C, p.Met713Thr (NM_001365049.1); c.3023T>C, p.Met1008Thr (NM_015840.4); c.2966T>C, p.Met989Thr (NM_015841.4); short protein forms M1043T, M739T, M989T, M713T, M1008T, M1034T.
Identifiers: ClinVar variation 1347086 (VCV001347086.8), dbSNP rs2101566489, ClinGen allele CA342635730.
Genomic context (GRCh38, chr1:154,586,282, plus strand): 5'-GTCAACAGTGCCCCTTGCAGGCCCAGCACGTTCCAGCGTAGGATTTTGTCACTACAGGAC[A>G]TGGTACGGAGTCTCTCCCCGAGCCGAATGCCATCCCACGTAGGCACAATGTCACTGGATT-3'
Protein context (NP_001102.3, residues 1024-1044): GIRLGERLRT[Met1034Thr]SCSDKILRWN

ClinVar aggregate classification (germline): Uncertain significance (1 of 4 stars; one submission).

Conditions:
Symmetrical dyschromatosis of extremities (DSH). Also called: RETICULATE ACROPIGMENTATION OF DOHI; SYMMETRIC DYSCHROMATOSIS OF THE EXTREMITIES; DYSCHROMATOSIS SYMMETRICA HEREDITARIA 1; Dyschromatosis symmetrica hereditaria. Identifiers: Orphanet 41, MedGen C0406775, MONDO:0007483, OMIM 127400.
Aicardi-Goutieres syndrome 6 (AGS6). Identifiers: Orphanet 51, MedGen C3539013, MONDO:0014007, OMIM 615010.

Submission:

Labcorp Genetics (formerly Invitae), Labcorp
Classification: Uncertain significance for Aicardi-Goutieres syndrome 6; Symmetrical dyschromatosis of extremities. Last evaluated: 2022-07-11. Review status: criteria provided, single submitter. Criteria: Invitae Variant Classification Sherloc (09022015). Collection method: clinical testing. Allele origin: germline.
Comment: ClinVar contains an entry for this variant (Variation ID: 1347086). This sequence change replaces methionine, which is neutral and non-polar, with threonine, which is neutral and polar, at codon 1034 of the ADAR protein (p.Met1034Thr). This variant is not present in population databases (gnomAD no frequency). This variant has not been reported in the literature in individuals affected with ADAR-related conditions. Algorithms developed to predict the effect of missense changes on protein structure and function are either unavailable or do not agree on the potential impact of this missense change (SIFT: "Deleterious"; PolyPhen-2: "Probably Damaging"; Align-GVGD: "Class C0"). In summary, the available evidence is currently insufficient to determine the role of this variant in disease. Therefore, it has been classified as a Variant of Uncertain Significance.